The following is an entry in ClinVar:

ClinVar aggregate classification (germline): Pathogenic. Review status: criteria provided, multiple submitters, no conflicts (2 of 4 stars). 4 submissions from 4 submitters: Pathogenic (4). Last evaluated 2025-09-04.

Conditions:
COL2A1-related disorder. Also called: COL2A1-related condition; COL2A1-related disorders.

Submissions (4):

3billion
Classification: Pathogenic for COL2A1-related disorder. Last evaluated: 2025-09-04. Review status: criteria provided, single submitter. Criteria: ACMG Guidelines, 2015. Collection method: clinical testing. Allele origin: germline. Affected: yes.
Comment: The variant is not observed in the gnomAD v4.1.0 dataset. Predicted Consequence/Location: Canonical splice site: predicted to alter splicing and result in a loss or disruption of normal protein function. Multiple pathogenic loss-of-function variants are reported downstream of the variant. In silico tools predict the variant to alter splicing and produce an abnormal transcript [SpliceAI: 0.97 (spliceogenicity >=0.2, non-spliceogenicity <0.1)]. The variant has been reported at least twice as pathogenic with clinical assertions and evidence for the classification (ClinVar ID: VCV000166927). Therefore, this variant is classified as Pathogenic according to the recommendation of ACMG/AMP guideline.

Labcorp Genetics (formerly Invitae), Labcorp
Classification: Pathogenic. Last evaluated: 2025-04-11. Review status: criteria provided, single submitter. Criteria: Invitae Variant Classification Sherloc (09022015). Collection method: clinical testing. Allele origin: germline.
Comment: This sequence change affects a donor splice site in intron 1 of the COL2A1 gene. It is expected to disrupt RNA splicing. Variants that disrupt the donor or acceptor splice site typically lead to a loss of protein function (PMID: 16199547), and loss-of-function variants in COL2A1 are known to be pathogenic (PMID: 20179744). This variant is not present in population databases (gnomAD no frequency). Disruption of this splice site has been observed in individual(s) with Stickler syndrome (external communications, internal data). It has also been observed to segregate with disease in related individuals. ClinVar contains an entry for this variant (Variation ID: 166927). Algorithms developed to predict the effect of sequence changes on RNA splicing suggest that this variant may disrupt the consensus splice site. For these reasons, this variant has been classified as Pathogenic.

GeneDx
Classification: Pathogenic. Last evaluated: 2024-05-07. Review status: criteria provided, single submitter. Criteria: GeneDx Variant Classification Process June 2021. Collection method: clinical testing. Allele origin: germline. Affected: yes.
Comment: Has not been previously published as pathogenic or benign to our knowledge; Not observed in large population cohorts (gnomAD); Canonical splice site variant predicted to result in a null allele in a gene for which loss-of-function is a known mechanism of disease

Eurofins Ntd Llc (ga)
Classification: Pathogenic. Last evaluated: 2014-01-08. Review status: criteria provided, single submitter. Criteria: EGL Classification Definitions. Collection method: clinical testing. Allele origin: germline. Observed: 2 variant alleles, 2 heterozygotes.

Literature cited by the submitters: PubMed 16199547 (cited by Labcorp Genetics (formerly Invitae), Labcorp); PubMed 20179744 (cited by Labcorp Genetics (formerly Invitae), Labcorp).

NM_001844.5(COL2A1):c.85+1G>C

Gene: COL2A1 (collagen type II alpha 1 chain; minus strand). Cytogenetic location: 12q13.11.
Variant type: single nucleotide variant.
Coding change: c.85+1G>C on transcript NM_001844.5 (MANE Select); the canonical splice donor site of the intron after coding-DNA position 85, G replaced by C.
Molecular consequence: splice donor variant.
Genome position (GRCh38, 1-based): chr12:48,004,236, C>G on the plus strand (G>C on the coding strand, the complement: COL2A1 is on the minus strand). VCF-style: chr12-48004236-C-G. GRCh37 (hg19) VCF-style: chr12-48398019-C-G.
Other names: c.85+1G>C (NM_033150.3).
Identifiers: ClinVar variation 166927 (VCV000166927.10), dbSNP rs727503882, ClinGen allele CA233806.
Genomic context (GRCh38, chr12:48,004,236, plus strand): 5'-AGAAGGATGCTGAGGGACGCATGGAAAGCAGGCAGGCAGGCAGGGGCGGGGGAAGACTTA[C>G]GGACATCCTGGCCCTGACACCGAAGGACAGCGGCGACGAGCAGCGTCAGCAGCACCAGCG-3'